The following is an entry in ClinVar:

ClinVar aggregate classification (germline): Likely benign. Review status: criteria provided, multiple submitters, no conflicts (2 of 4 stars). 3 submissions from 3 submitters: Likely benign (2). 1 of the submissions does not count toward it. Last evaluated 2025-12-21.

Conditions:
Methylcobalamin deficiency type cblE (HMAE). Also called: HOMOCYSTINURIA-MEGALOBLASTIC ANEMIA, cblE COMPLEMENTATION TYPE; VITAMIN B12-RESPONSIVE HOMOCYSTINURIA, cblE TYPE; HOMOCYSTINURIA-MEGALOBLASTIC ANEMIA, cblE TYPE. Identifiers: Orphanet 2169, Orphanet 622, MedGen C1856057, MONDO:0009354, OMIM 236270.

Allele frequency attached by ClinVar (database versions not stated): gnomAD exomes 0.00004 and 0.00014; ExAC 0.00015; 1000 Genomes Project 0.00020; 1000 Genomes Project 30x 0.00031; ESP Exome Variant Server 0.00054; gnomAD 0.00062; TOPMed 0.00063.
gnomAD v4.1: 151 of 1,614,152 alleles (0.0094%); highest among the groups gnomAD compares: African/African-American, 0.18%; no homozygotes.

Submissions (3):

Labcorp Genetics (formerly Invitae), Labcorp
Classification: Likely benign for Methylcobalamin deficiency type cblE. Last evaluated: 2025-12-21. Review status: criteria provided, single submitter. Criteria: Invitae Variant Classification Sherloc (09022015). Collection method: clinical testing. Allele origin: germline.

GeneDx
Classification: Likely benign. Last evaluated: 2018-06-08. Review status: criteria provided, single submitter. Criteria: GeneDx Variant Classification (06012015). Collection method: clinical testing. Allele origin: germline. Affected: yes.
Comment: This variant is considered likely benign or benign based on one or more of the following criteria: it is a conservative change, it occurs at a poorly conserved position in the protein, it is predicted to be benign by multiple in silico algorithms, and/or has population frequency not consistent with disease.

Natera, Inc.
Classification: Likely benign for CblE complementation type homocystinuria-megaloblastic anemia due to defect in cobalamin metabolism. Last evaluated: 2020-09-16. Review status: no assertion criteria provided. Collection method: clinical testing. Allele origin: germline. Not counted in ClinVar's aggregate classification.

NM_002454.3(MTRR):c.54C>T (p.Ile18=)

Gene: MTRR (5-methyltetrahydrofolate-homocysteine methyltransferase reductase; plus strand). Cytogenetic location: 5p15.31.
Variant type: single nucleotide variant.
Coding change: c.54C>T on transcript NM_002454.3 (MANE Select); coding-DNA position 54, C replaced by T.
Protein change: p.Ile18=; no amino-acid change (isoleucine 18 retained).
Molecular consequence: synonymous variant. On other transcripts: non-coding transcript variant (14).
Genome position (GRCh38, 1-based): chr5:7,870,848, C>T. VCF-style: chr5-7870848-C-T. GRCh37 (hg19) VCF-style: chr5-7870961-C-T.
Other names: c.54C>T, p.Ile18= (NM_001364440.2, NM_001364441.2, NM_001364442.2 and 1 more transcripts).
Identifiers: ClinVar variation 668491 (VCV000668491.11), dbSNP rs6413426, ClinGen allele CA3195464.
Genomic context (GRCh38, chr5:7,870,848, plus strand): 5'-TGAAGTGATGAGGAGGTTTCTGTTACTATATGCTACACAGCAGGGACAGGCAAAGGCCAT[C>T]GCAGAAGAAATATGTGAGCAAGCTGTGGTACATGGATTTTCTGCAGATCTTCACTGTATT-3'
Protein context (NP_002445.2, residues 8-28): YATQQGQAKA[Ile18=]AEEICEQAVV